The following is an entry in ClinVar:

ClinVar aggregate classification (germline): Uncertain significance (1 of 4 stars; one submission).

Allele frequency attached by ClinVar (database versions not stated): gnomAD exomes below 0.00001; gnomAD 0.00001; TOPMed 0.00001.
gnomAD v4.1: 4 of 1,614,138 alleles (0.00025%); highest among the groups gnomAD compares: African/African-American, 0.0013%; no homozygotes.

Submission:

Labcorp Genetics (formerly Invitae), Labcorp
Classification: Uncertain significance. Last evaluated: 2022-12-07. Review status: criteria provided, single submitter. Criteria: Invitae Variant Classification Sherloc (09022015). Collection method: clinical testing. Allele origin: germline.
Comment: This sequence change replaces cysteine, which is neutral and slightly polar, with tyrosine, which is neutral and polar, at codon 793 of the MYH3 protein (p.Cys793Tyr). This variant is present in population databases (no rsID available, gnomAD 0.0009%). This variant has not been reported in the literature in individuals affected with MYH3-related conditions. Advanced modeling of protein sequence and biophysical properties (such as structural, functional, and spatial information, amino acid conservation, physicochemical variation, residue mobility, and thermodynamic stability) performed at Invitae indicates that this missense variant is not expected to disrupt MYH3 protein function. In summary, the available evidence is currently insufficient to determine the role of this variant in disease. Therefore, it has been classified as a Variant of Uncertain Significance.

NM_002470.4(MYH3):c.2378G>A (p.Cys793Tyr)

Gene: MYH3 (myosin heavy chain 3; minus strand). Cytogenetic location: 17p13.1.
Variant type: single nucleotide variant.
Coding change: c.2378G>A on transcript NM_002470.4 (MANE Select); coding-DNA position 2378, G replaced by A.
Protein change: p.Cys793Tyr; replaces cysteine 793 with tyrosine.
Molecular consequence: missense variant.
Genome position (GRCh38, 1-based): chr17:10,640,381, C>T on the plus strand (G>A on the coding strand, the complement: MYH3 is on the minus strand). VCF-style: chr17-10640381-C-T. GRCh37 (hg19) VCF-style: chr17-10543698-C-T.
Other names: short protein forms C793Y.
Identifiers: ClinVar variation 1926630 (VCV001926630.5), dbSNP rs1343338130, ClinGen allele CA398164042.